The following is an entry in ClinVar:

ClinVar aggregate classification (germline): Conflicting classifications of pathogenicity. Review status: criteria provided, conflicting classifications (1 of 4 stars). 4 submissions from 4 submitters: Uncertain significance (3); Likely benign (1). Last evaluated 2025-05-22.

Conditions:
Inborn genetic diseases. Identifiers: MedGen C0950123, MeSH D030342.
Pyruvate carboxylase deficiency. Also called: Pyruvate Carboxylase Deficiency Disease; ATAXIA WITH LACTIC ACIDOSIS II; LEIGH NECROTIZING ENCEPHALOPATHY DUE TO PYRUVATE CARBOXYLASE DEFICIENCY; LEIGH SYNDROME DUE TO PYRUVATE CARBOXYLASE DEFICIENCY; PC DEFICIENCY. Identifiers: Orphanet 3008, MedGen C0034341, MONDO:0009949, OMIM 266150.

Allele frequency attached by ClinVar (database versions not stated): gnomAD exomes 0.00002; TOPMed 0.00003; gnomAD 0.00006; ExAC 0.00008; 1000 Genomes Project 30x 0.00031; 1000 Genomes Project 0.00040.
gnomAD v4.1: 47 of 1,611,504 alleles (0.0029%); highest among the groups gnomAD compares: Middle Eastern, 0.017%; 1 homozygote.

Submissions (4):

GeneDx
Classification: Uncertain significance. Last evaluated: 2025-05-22. Review status: criteria provided, single submitter. Criteria: GeneDx Variant Classification Process June 2021. Collection method: clinical testing. Allele origin: germline. Affected: yes.
Comment: Not observed at significant frequency in large population cohorts (gnomAD); In silico analysis supports that this missense variant has a deleterious effect on protein structure/function; Has not been previously published as pathogenic or benign to our knowledge

Ambry Genetics
Classification: Uncertain significance for Inborn genetic diseases. Last evaluated: 2024-06-16. Review status: criteria provided, single submitter. Criteria: Ambry Variant Classification Scheme 2023. Collection method: clinical testing. Allele origin: germline.

Labcorp Genetics (formerly Invitae), Labcorp
Classification: Likely benign for Pyruvate carboxylase deficiency. Last evaluated: 2024-02-14. Review status: criteria provided, single submitter. Criteria: Invitae Variant Classification Sherloc (09022015). Collection method: clinical testing. Allele origin: germline.

Revvity Omics, Revvity
Classification: Uncertain significance for Pyruvate carboxylase deficiency. Last evaluated: 2023-02-27. Review status: criteria provided, single submitter. Criteria: ACMG Guidelines, 2015. Collection method: clinical testing. Allele origin: germline.

NM_001040716.2(PC):c.2285G>A (p.Arg762His)

Gene: PC (pyruvate carboxylase; minus strand). Cytogenetic location: 11q13.2.
Variant type: single nucleotide variant.
Coding change: c.2285G>A on transcript NM_001040716.2 (MANE Select); coding-DNA position 2285, G replaced by A.
Protein change: p.Arg762His; replaces arginine 762 with histidine.
Molecular consequence: missense variant.
Genome position (GRCh38, 1-based): chr11:66,850,862, C>T on the plus strand (G>A on the coding strand, the complement: PC is on the minus strand). VCF-style: chr11-66850862-C-T. GRCh37 (hg19) VCF-style: chr11-66618333-C-T.
Other names: c.2285G>A (NM_000920.3); c.2285G>A, p.Arg762His (NM_000920.4, NM_022172.3); short protein forms R762H.
Identifiers: ClinVar variation 2196364 (VCV002196364.8), dbSNP rs574858955, ClinGen allele CA6131101.